The following is an entry in ClinVar:

ClinVar aggregate classification (germline): Likely pathogenic (1 of 4 stars; one submission).

Submission:

Labcorp Genetics (formerly Invitae), Labcorp
Classification: Likely pathogenic. Last evaluated: 2019-07-12. Review status: criteria provided, single submitter. Criteria: Invitae Variant Classification Sherloc (09022015). Collection method: clinical testing. Allele origin: germline.
Comment: This variant is an in-frame deletion of the genomic region encompassing exon 2 of the CERKL gene. It preserves the integrity of the reading frame. A similar deletion of exon 2 has been observed in an individual affected with macular and cone-rod dystrophy (PMID: 29555955). This variant disrupts the p.Cys125 amino acid residue in CERKL. Other variant(s) that disrupt this residue have been determined to be pathogenic (PMID: 20554613, 29068140, 24498393). This suggests that this residue is clinically significant, and that variants that disrupt this residue are likely to be disease-causing. In summary, the currently available evidence indicates that the variant is pathogenic, but additional data are needed to prove that conclusively. Therefore, this variant has been classified as Likely Pathogenic.

Literature cited by the submitters: PubMed 29555955; PubMed 24498393; PubMed 20554613; PubMed 29068140.

NC_000002.12:g.(?_181603827)_(181604089_?)del

Gene: CERKL (ceramide kinase like; minus strand). Cytogenetic location: 2q31.3.
Variant type: Deletion.
Identifiers: ClinVar variation 833151 (VCV000833151.1).